The following is an entry in ClinVar:

NM_000203.5(IDUA):c.164del (p.Pro55fs)

Genes: IDUA (alpha-L-iduronidase; plus strand), SLC26A1 (solute carrier family 26 member 1; minus strand). Cytogenetic location: 4p16.3.
Variant type: Deletion.
Coding change: c.164del on transcript NM_000203.5 (MANE Select); coding-DNA position 164, one base deleted (C; older notation c.164delC).
Protein change: p.Pro55fs; shifts the reading frame from proline 55.
Molecular consequence: frameshift variant. On other transcripts: 3 prime UTR variant (2), non-coding transcript variant (1), intron variant (1).
Genome position (GRCh38, 1-based): chr4:987,814, C deleted; the last of 6 consecutive C bases (chr4:987,809-987,814); deleting any one gives the same sequence. VCF-style (leftmost placement, unchanged base first): chr4-987808-GC-G. GRCh37 (hg19) VCF-style: chr4-981596-GC-G.
Other names: p.Pro55ArgfsTer53; c.*1024del (NM_022042.4, NM_213613.4); c.576+3319del (NM_134425.4); short protein forms P55fs.
Identifiers: ClinVar variation 167189 (VCV000167189.6), dbSNP rs727503966, ClinGen allele CA234127.
Genomic context (GRCh38, chr4:987,808, plus strand): 5'-GTCAGCCGCGCTGCCAGCCATGCTGAGGCTCGGGACTGAGCCGCCCCTTTGTTGTCCCCA[GC>G]CCCCCGCTGCCACACAGCCAGGCTGACCAGTACGTCCTCAGCTGGGACCAGCAGCTCAAC-3'

ClinVar aggregate classification (germline): Pathogenic. Review status: criteria provided, multiple submitters, no conflicts (2 of 4 stars). 2 submissions from 2 submitters: Pathogenic (2). Last evaluated 2025-09-30.

Conditions:
Hurler syndrome. Also called: Severe MPS I (Hurler Syndrome); MUCOPOLYSACCHARIDOSIS TYPE IH; Gargoylism, Hurler Syndrome. Identifiers: Orphanet 93473, MedGen C0086795, MONDO:0011758, OMIM 607014.

Submissions (2):

Foundation for Research in Genetics and Endocrinology, FRIGE's Institute of Human Genetics
Classification: Pathogenic for Hurler syndrome. Last evaluated: 2025-09-30. Review status: criteria provided, single submitter. Criteria: ACMG Guidelines, 2015. Collection method: clinical testing. Allele origin: germline. Inheritance: Autosomal recessive inheritance. Affected: yes. Observed: 1 homozygote.
Comment: A homozygous single base pair deletion in exon 2 of the IDUA gene that results in a frameshift and premature truncation of the protein 53 amino acids downstream to codon 55 (p.Pro55ArgfsTer53) was detected. This variant has not been reported in the 1000 genomes and gnomAD databases. The in-silico prediction of the variant is deleterious by MutationTaster2. In summary, the variant meets our criteria to be classified as pathogenic.

Eurofins Ntd Llc (ga)
Classification: Pathogenic. Last evaluated: 2014-03-26. Review status: criteria provided, single submitter. Criteria: EGL Classification Definitions. Collection method: clinical testing. Allele origin: germline. Observed: 1 variant allele, 1 heterozygote.